The following is an entry in ClinVar:

ClinVar aggregate classification (germline): Uncertain significance (1 of 4 stars; one submission).

Conditions:
Charcot-Marie-Tooth disease type 2R. Also called: Charcot-Marie-Tooth disease, axonal, type 2R; CHARCOT-MARIE-TOOTH NEUROPATHY, TYPE 2R; CHARCOT-MARIE-TOOTH DISEASE, AXONAL, AUTOSOMAL RECESSIVE, TYPE 2R. Identifiers: Orphanet 397968, MedGen C3809655, MONDO:0014208, OMIM 615490.

gnomAD v4.1: 3 of 1,614,080 alleles (0.00019%); highest among the groups gnomAD compares: South Asian, 0.0011%; no homozygotes.

Submission:

Labcorp Genetics (formerly Invitae), Labcorp
Classification: Uncertain significance for Charcot-Marie-Tooth disease type 2R. Last evaluated: 2025-04-07. Review status: criteria provided, single submitter. Criteria: Invitae Variant Classification Sherloc (09022015). Collection method: clinical testing. Allele origin: germline.
Comment: This sequence change replaces arginine, which is basic and polar, with cysteine, which is neutral and slightly polar, at codon 522 of the TRIM2 protein (p.Arg522Cys). This variant is not present in population databases (gnomAD no frequency). This variant has not been reported in the literature in individuals affected with TRIM2-related conditions. An algorithm developed to predict the effect of missense changes on protein structure and function (PolyPhen-2) suggests that this variant is likely to be disruptive. In summary, the available evidence is currently insufficient to determine the role of this variant in disease. Therefore, it has been classified as a Variant of Uncertain Significance.

NM_015271.5(TRIM2):c.1645C>T (p.Arg549Cys)

Gene: TRIM2 (tripartite motif containing 2; plus strand). Cytogenetic location: 4q31.3.
Variant type: single nucleotide variant.
Coding change: c.1645C>T on transcript NM_015271.5 (MANE Select); coding-DNA position 1645, C replaced by T.
Protein change: p.Arg549Cys; replaces arginine 549 with cysteine.
Molecular consequence: missense variant.
Genome position (GRCh38, 1-based): chr4:153,315,862, C>T. VCF-style: chr4-153315862-C-T. GRCh37 (hg19) VCF-style: chr4-154237014-C-T.
Other names: c.1564C>T, p.Arg522Cys (NM_001130067.2, NM_001351056.2, NM_001375512.1 and 10 more transcripts); c.1618C>T, p.Arg540Cys (NM_001351054.2); c.1615C>T, p.Arg539Cys (NM_001351055.2); c.1189C>T, p.Arg397Cys (NM_001351057.2); c.1738C>T, p.Arg580Cys (NM_001375488.1); c.1735C>T, p.Arg579Cys (NM_001375489.1); c.1588C>T, p.Arg530Cys (NM_001375490.1); c.1585C>T, p.Arg529Cys (NM_001375491.1); and 5 more; short protein forms R438C, R580C, R397C, R436C, R437C, R522C, R529C, R540C.
Identifiers: ClinVar variation 4707944 (VCV004707944.1).